The following is an entry in ClinVar:

ClinVar aggregate classification (germline): Uncertain significance (1 of 4 stars; one submission).

Submission:

Labcorp Genetics (formerly Invitae), Labcorp
Classification: Uncertain significance. Last evaluated: 2023-10-13. Review status: criteria provided, single submitter. Criteria: Invitae Variant Classification Sherloc (09022015). Collection method: clinical testing. Allele origin: germline.
Comment: This sequence change creates a premature translational stop signal (p.Trp26*) in the IRF2BP2 gene. It is expected to result in an absent or disrupted protein product. However, the current clinical and genetic evidence is not sufficient to establish whether loss-of-function variants in IRF2BP2 cause disease. This variant is not present in population databases (gnomAD no frequency). This variant has not been reported in the literature in individuals affected with IRF2BP2-related conditions. ClinVar contains an entry for this variant (Variation ID: 1382626). In summary, the available evidence is currently insufficient to determine the role of this variant in disease. Therefore, it has been classified as a Variant of Uncertain Significance.

NM_182972.3(IRF2BP2):c.78G>A (p.Trp26Ter)

Gene: IRF2BP2 (interferon regulatory factor 2 binding protein 2; minus strand). Cytogenetic location: 1q42.3.
Variant type: single nucleotide variant.
Coding change: c.78G>A on transcript NM_182972.3 (MANE Select); coding-DNA position 78, G replaced by A.
Protein change: p.Trp26Ter; replaces tryptophan 26 with a stop codon.
Molecular consequence: nonsense.
Genome position (GRCh38, 1-based): chr1:234,609,417, C>T on the plus strand (G>A on the coding strand, the complement: IRF2BP2 is on the minus strand). VCF-style: chr1-234609417-C-T. GRCh37 (hg19) VCF-style: chr1-234745163-C-T.
Other names: c.78G>A, p.Trp26Ter (NM_001077397.1); short protein forms W26*.
Identifiers: ClinVar variation 1382626 (VCV001382626.6), dbSNP rs2102770417, ClinGen allele CA345312055.
Genomic context (GRCh38, chr1:234,609,417, plus strand): 5'-GGCGCCCTCGTAGTTGACGCAGCCGCGGCAGACGGGTTCGGTGAAGTCCCAGATCATGGC[C>T]CAGGGCATGCGGGGCAGGTCACACAGGTAGCACGACTGCCGCCGGGACGCGGCCGCCACC-3'